The following is an entry in ClinVar:

NM_005120.3(MED12):c.5400+4A>G

Gene: MED12 (mediator complex subunit 12; plus strand). Cytogenetic location: Xq13.1.
Variant type: single nucleotide variant.
Coding change: c.5400+4A>G on transcript NM_005120.3 (MANE Select); 4 bases into the intron after coding-DNA position 5400, A replaced by G.
Molecular consequence: intron variant.
Genome position (GRCh38, 1-based): chrX:71,136,659, A>G. VCF-style: chrX-71136659-A-G. GRCh37 (hg19) VCF-style: chrX-70356509-A-G.
Identifiers: ClinVar variation 2919754 (VCV002919754.3), dbSNP rs2092333252, ClinGen allele CA1134077628.

ClinVar aggregate classification (germline): Uncertain significance (1 of 4 stars; one submission).

Conditions:
FG syndrome (FGS). Identifiers: MedGen C0220769, MONDO:0002010.

Allele frequency attached by ClinVar (database versions not stated): gnomAD 0.00001; TOPMed 0.00001.
gnomAD v4.1: 1 of 1,205,231 alleles (0.000083%); highest among the groups gnomAD compares: Admixed American, 0.0022%; no homozygotes.

Submission:

Labcorp Genetics (formerly Invitae), Labcorp
Classification: Uncertain significance for FG syndrome. Last evaluated: 2023-12-11. Review status: criteria provided, single submitter. Criteria: Invitae Variant Classification Sherloc (09022015). Collection method: clinical testing. Allele origin: germline.
Comment: This sequence change falls in intron 37 of the MED12 gene. It does not directly change the encoded amino acid sequence of the MED12 protein. It affects a nucleotide within the consensus splice site. This variant is not present in population databases (gnomAD no frequency). This variant has not been reported in the literature in individuals affected with MED12-related conditions. Variants that disrupt the consensus splice site are a relatively common cause of aberrant splicing (PMID: 17576681, 9536098). Algorithms developed to predict the effect of sequence changes on RNA splicing suggest that this variant is not likely to affect RNA splicing. In summary, the available evidence is currently insufficient to determine the role of this variant in disease. Therefore, it has been classified as a Variant of Uncertain Significance.

Literature cited by the submitters: PubMed 17576681; PubMed 9536098.